The following is an entry in ClinVar:

NM_018896.5(CACNA1G):c.1634C>A (p.Ala545Asp)

Gene: CACNA1G (calcium voltage-gated channel subunit alpha1 G; plus strand). Cytogenetic location: 17q21.33.
Variant type: single nucleotide variant.
Coding change: c.1634C>A on transcript NM_018896.5 (MANE Select); coding-DNA position 1634, C replaced by A.
Protein change: p.Ala545Asp; replaces alanine 545 with aspartic acid.
Molecular consequence: missense variant. On other transcripts: non-coding transcript variant (5).
Genome position (GRCh38, 1-based): chr17:50,576,036, C>A. VCF-style: chr17-50576036-C-A. GRCh37 (hg19) VCF-style: chr17-48653397-C-A.
Other names: c.1634C>A, p.Ala545Asp (NM_001256324.2, NM_001256325.2, NM_001256326.2 and 24 more transcripts); short protein forms A545D.
Identifiers: ClinVar variation 1700944 (VCV001700944.2), dbSNP rs745634077, ClinGen allele CA400238207.

ClinVar aggregate classification (germline): Uncertain significance (1 of 4 stars; one submission).

gnomAD v4.1: 3 of 1,568,344 alleles (0.00019%); highest among the groups gnomAD compares: Middle Eastern, 0.017%; no homozygotes.

Submission:

GeneDx
Classification: Uncertain significance. Last evaluated: 2022-02-14. Review status: criteria provided, single submitter. Criteria: GeneDx Variant Classification Process June 2021. Collection method: clinical testing. Allele origin: germline. Affected: yes.
Comment: In silico analysis supports that this missense variant does not alter protein structure/function; Has not been previously published as pathogenic or benign to our knowledge